The following is an entry in ClinVar:

NM_000342.4(SLC4A1):c.877-9T>A

Gene: SLC4A1 (solute carrier family 4 member 1 (Diego blood group); minus strand). Cytogenetic location: 17q21.31.
Variant type: single nucleotide variant.
Coding change: c.877-9T>A on transcript NM_000342.4 (MANE Select); 9 bases into the intron before coding-DNA position 877, T replaced by A.
Molecular consequence: intron variant.
Genome position (GRCh38, 1-based): chr17:44,258,632, A>T on the plus strand (T>A on the coding strand, the complement: SLC4A1 is on the minus strand). VCF-style: chr17-44258632-A-T. GRCh37 (hg19) VCF-style: chr17-42336000-A-T.
Identifiers: ClinVar variation 3356675 (VCV003356675.1).

ClinVar aggregate classification (germline): Likely pathogenic (0 of 4 stars; one submission).

Conditions:
SLC4A1-related disorder. Also called: SLC4A1-related condition; SLC4A1-related disorders.

Submission:

PreventionGenetics, part of Exact Sciences
Classification: Likely pathogenic for SLC4A1-related condition. Last evaluated: 2024-07-05. Review status: no assertion criteria provided. Collection method: clinical testing. Allele origin: germline.
Comment: The SLC4A1 c.877-9T>A variant is predicted to interfere with splicing. This variant is predicted to create a cryptic splice acceptor site (SpliceAI, Jaganathan et al. 2019. PubMed ID: 30661751) and was reported in the heterozygous state in three individuals with spherocytosis (Tole et al. 2020. PubMed ID: 32436265). This variant has not been reported in a large population database, indicating this variant is rare. This variant is interpreted as likely pathogenic.